The following is an entry in ClinVar:

ClinVar aggregate classification (germline): Uncertain significance. Review status: criteria provided, multiple submitters, no conflicts (2 of 4 stars). 3 submissions from 3 submitters: Uncertain significance (3). Last evaluated 2025-01-29.

Conditions:
Inborn genetic diseases. Identifiers: MedGen C0950123, MeSH D030342.
Charcot-Marie-Tooth disease type 2E (CMT2E). Also called: CHARCOT-MARIE-TOOTH NEUROPATHY, TYPE 2E; CHARCOT-MARIE-TOOTH DISEASE, AXONAL, TYPE 2E. Identifiers: Orphanet 99939, MedGen C1843225, MONDO:0011894, OMIM 607684.

Submissions (3):

Labcorp Genetics (formerly Invitae), Labcorp
Classification: Uncertain significance for Charcot-Marie-Tooth disease type 2E. Last evaluated: 2025-01-29. Review status: criteria provided, single submitter. Criteria: Invitae Variant Classification Sherloc (09022015). Collection method: clinical testing. Allele origin: germline.
Comment: This sequence change replaces alanine, which is neutral and non-polar, with threonine, which is neutral and polar, at codon 202 of the NEFL protein (p.Ala202Thr). This variant is not present in population databases (gnomAD no frequency). This variant has not been reported in the literature in individuals affected with NEFL-related conditions. ClinVar contains an entry for this variant (Variation ID: 1806905). Invitae Evidence Modeling of protein sequence and biophysical properties (such as structural, functional, and spatial information, amino acid conservation, physicochemical variation, residue mobility, and thermodynamic stability) indicates that this missense variant is not expected to disrupt NEFL protein function with a negative predictive value of 80%. In summary, the available evidence is currently insufficient to determine the role of this variant in disease. Therefore, it has been classified as a Variant of Uncertain Significance.

Ambry Genetics
Classification: Uncertain significance for Inborn genetic diseases. Last evaluated: 2024-01-25. Review status: criteria provided, single submitter. Criteria: Ambry Variant Classification Scheme 2023. Collection method: clinical testing. Allele origin: germline.

Athena Diagnostics
Classification: Uncertain significance. Last evaluated: 2021-08-11. Review status: criteria provided, single submitter. Criteria: Athena Diagnostics Criteria. Collection method: clinical testing. Allele origin: unknown.

NM_006158.5(NEFL):c.604G>A (p.Ala202Thr)

Gene: NEFL (neurofilament light chain; minus strand). Cytogenetic location: 8p21.2.
Variant type: single nucleotide variant.
Coding change: c.604G>A on transcript NM_006158.5 (MANE Select); coding-DNA position 604, G replaced by A.
Protein change: p.Ala202Thr; replaces alanine 202 with threonine.
Molecular consequence: missense variant.
Genome position (GRCh38, 1-based): chr8:24,955,912, C>T on the plus strand (G>A on the coding strand, the complement: NEFL is on the minus strand). VCF-style: chr8-24955912-C-T. GRCh37 (hg19) VCF-style: chr8-24813426-C-T.
Other names: c.604G>A (NM_006158.3); short protein forms A202T.
Identifiers: ClinVar variation 1806905 (VCV001806905.7), dbSNP rs1371125827, ClinGen allele CA370622031.
Genomic context (GRCh38, chr8:24,955,912, plus strand): 5'-AAGAGATTTCGTCCATCAAGCTGTCGATGCGCTTCTCGAGCTCGGCGCGAGCGAGCGCCG[C>T]CTCGTCGGCGCCTTTGCGCGCTTCCATCAGCCGGCCCTCGGCGTCCTCGCGGCTCAGCAC-3'
Protein context (NP_006149.2, residues 192-212): LMEARKGADE[Ala202Thr]ALARAELEKR